The following is an entry in ClinVar:

NM_020361.5(CPA6):c.326T>C (p.Ile109Thr)

Gene: CPA6 (carboxypeptidase A6; minus strand). Cytogenetic location: 8q13.2.
Variant type: single nucleotide variant.
Coding change: c.326T>C on transcript NM_020361.5 (MANE Select); coding-DNA position 326, T replaced by C.
Protein change: p.Ile109Thr; replaces isoleucine 109 with threonine.
Molecular consequence: missense variant.
Genome position (GRCh38, 1-based): chr8:67,511,647, A>G on the plus strand (T>C on the coding strand, the complement: CPA6 is on the minus strand). VCF-style: chr8-67511647-A-G. GRCh37 (hg19) VCF-style: chr8-68423882-A-G.
Other names: p.Ile109Thr; short protein forms I109T.
Identifiers: ClinVar variation 363611 (VCV000363611.18), dbSNP rs151119622, ClinGen allele CA4773001.

ClinVar aggregate classification (germline): Uncertain significance. Review status: criteria provided, multiple submitters, no conflicts (2 of 4 stars). 4 submissions from 4 submitters: Uncertain significance (4). Last evaluated 2025-04-01.

Conditions:
Febrile seizures, familial, 11 (FEB11). Also called: CONVULSIONS, FAMILIAL FEBRILE, 11. Identifiers: MedGen C3280734, MONDO:0024566, OMIM 614418.
Familial temporal lobe epilepsy 5. Identifiers: MedGen C3280730, MONDO:0013741, OMIM 614417.

Allele frequency attached by ClinVar (database versions not stated): 1000 Genomes Project 30x 0.00078; gnomAD 0.00026 and 0.00029; ESP Exome Variant Server 0.00015; TOPMed 0.00026; 1000 Genomes Project 0.00060; gnomAD exomes 0.00004 and 0.00006; ExAC 0.00007.
gnomAD v4.1: 96 of 1,594,260 alleles (0.006%); highest among the groups gnomAD compares: African/African-American, 0.079%; 1 homozygote.

Submissions (4):

Ambry Genetics
Classification: Uncertain significance. Last evaluated: 2025-04-01. Review status: criteria provided, single submitter. Criteria: Ambry Variant Classification Scheme 2023. Collection method: clinical testing. Allele origin: germline.

Mayo Clinic Laboratories, Mayo Clinic
Classification: Uncertain significance. Last evaluated: 2021-07-22. Review status: criteria provided, single submitter. Criteria: ACMG Guidelines, 2015. Collection method: clinical testing. Allele origin: germline.

Labcorp Genetics (formerly Invitae), Labcorp
Classification: Uncertain significance for Febrile seizures, familial, 11. Last evaluated: 2018-04-18. Review status: criteria provided, single submitter. Criteria: Invitae Variant Classification Sherloc (09022015). Collection method: clinical testing. Allele origin: germline.
Comment: This sequence change replaces isoleucine with threonine at codon 109 of the CPA6 protein (p.Ile109Thr). The isoleucine residue is highly conserved and there is a moderate physicochemical difference between isoleucine and threonine. This variant is present in population databases (rs151119622, ExAC 0.06%), and has an allele count higher than expected for a pathogenic variant (PMID: 28166811). This variant has not been reported in the literature in individuals with CPA6-related disease. ClinVar contains an entry for this variant (Variation ID: 363611). Algorithms developed to predict the effect of missense changes on protein structure and function (SIFT, PolyPhen-2, Align-GVGD) all suggest that this variant is likely to be disruptive, but these predictions have not been confirmed by published functional studies and their clinical significance is uncertain. In summary, the available evidence is currently insufficient to determine the role of this variant in disease. Therefore, it has been classified as a Variant of Uncertain Significance.

Illumina Laboratory Services, Illumina
Classification: Uncertain significance for Familial temporal lobe epilepsy 5. Last evaluated: 2018-01-12. Review status: criteria provided, single submitter. Criteria: ICSL Variant Classification Criteria 13 December 2019. Collection method: clinical testing. Allele origin: germline.

Literature cited by the submitters: PubMed 28166811 (cited by Labcorp Genetics (formerly Invitae), Labcorp).